The following is an entry in ClinVar:

NM_031407.7(HUWE1):c.3656C>T (p.Pro1219Leu)

Genes: HUWE1 (HECT, UBA and WWE domain containing E3 ubiquitin protein ligase 1; minus strand), LOC126863263 (BRD4-independent group 4 enhancer GRCh37_chrX:53619238-53620437; plus strand). Cytogenetic location: Xp11.22.
Variant type: single nucleotide variant.
Coding change: c.3656C>T on transcript NM_031407.7 (MANE Select); coding-DNA position 3656, C replaced by T.
Protein change: p.Pro1219Leu; replaces proline 1219 with leucine.
Molecular consequence: missense variant.
Genome position (GRCh38, 1-based): chrX:53,593,449, G>A on the plus strand (C>T on the coding strand, the complement: HUWE1 is on the minus strand). VCF-style: chrX-53593449-G-A. GRCh37 (hg19) VCF-style: chrX-53620409-G-A.
Other names: short protein forms P1219L.
Identifiers: ClinVar variation 3372693 (VCV003372693.1).

ClinVar aggregate classification (germline): Uncertain significance (1 of 4 stars; one submission).

Submission:

GeneDx
Classification: Uncertain significance. Last evaluated: 2024-04-19. Review status: criteria provided, single submitter. Criteria: GeneDx Variant Classification Process June 2021. Collection method: clinical testing. Allele origin: germline. Affected: yes.
Comment: Not observed at significant frequency in large population cohorts (gnomAD); In silico analysis supports that this missense variant has a deleterious effect on protein structure/function; Has not been previously published as pathogenic or benign to our knowledge